The following is an entry in ClinVar:

NM_024513.4(FYCO1):c.2966C>T (p.Ala989Val)

Gene: FYCO1 (FYVE and coiled-coil domain autophagy adaptor 1; minus strand). Cytogenetic location: 3p21.31.
Variant type: single nucleotide variant.
Coding change: c.2966C>T on transcript NM_024513.4 (MANE Select); coding-DNA position 2966, C replaced by T.
Protein change: p.Ala989Val; replaces alanine 989 with valine.
Molecular consequence: missense variant.
Genome position (GRCh38, 1-based): chr3:45,966,368, G>A on the plus strand (C>T on the coding strand, the complement: FYCO1 is on the minus strand). VCF-style: chr3-45966368-G-A. GRCh37 (hg19) VCF-style: chr3-46007860-G-A.
Other names: c.2966C>T (NM_024513.2); short protein forms A989V.
Identifiers: ClinVar variation 834851 (VCV000834851.8), dbSNP rs142098311, ClinGen allele CA2352927.

ClinVar aggregate classification (germline): Uncertain significance. Review status: criteria provided, multiple submitters, no conflicts (2 of 4 stars). 2 submissions from 2 submitters: Uncertain significance (2). Last evaluated 2025-01-17.

Conditions:
Inborn genetic diseases. Identifiers: MedGen C0950123, MeSH D030342.
Cataract 18 (CATC2). Also called: CATARACT 18, AUTOSOMAL RECESSIVE. Identifiers: Orphanet 91492, Orphanet 98991, Orphanet 98992, Orphanet 98995, MedGen C1864908, MONDO:0012395, OMIM 610019.

Allele frequency attached by ClinVar (database versions not stated): gnomAD exomes 0.00016 and 0.00008; ExAC 0.00006; gnomAD 0.00006 and 0.00009; TOPMed 0.00008; 1000 Genomes Project 30x 0.00016; 1000 Genomes Project 0.00020.
gnomAD v4.1: 247 of 1,614,170 alleles (0.015%); highest among the groups gnomAD compares: Non-Finnish European, 0.02%; no homozygotes.

Submissions (2):

Ambry Genetics
Classification: Uncertain significance for Inborn genetic diseases. Last evaluated: 2025-01-17. Review status: criteria provided, single submitter. Criteria: Ambry Variant Classification Scheme 2023. Collection method: clinical testing. Allele origin: germline.

Labcorp Genetics (formerly Invitae), Labcorp
Classification: Uncertain significance for Cataract 18. Last evaluated: 2021-07-16. Review status: criteria provided, single submitter. Criteria: Invitae Variant Classification Sherloc (09022015). Collection method: clinical testing. Allele origin: germline.
Comment: This sequence change replaces alanine with valine at codon 989 of the FYCO1 protein (p.Ala989Val). The alanine residue is highly conserved and there is a small physicochemical difference between alanine and valine. This variant is present in population databases (rs142098311, ExAC 0.01%). This variant has not been reported in the literature in individuals with FYCO1-related conditions. Algorithms developed to predict the effect of missense changes on protein structure and function output the following: SIFT: "Deleterious"; PolyPhen-2: "Benign"; Align-GVGD: "Class C55". The valine amino acid residue is found in multiple mammalian species, suggesting that this missense change does not adversely affect protein function. These predictions have not been confirmed by published functional studies and their clinical significance is uncertain. In summary, the available evidence is currently insufficient to determine the role of this variant in disease. Therefore, it has been classified as a Variant of Uncertain Significance.